The following is an entry in ClinVar:

ClinVar aggregate classification (germline): Benign (1 of 4 stars; one submission).

Allele frequency attached by ClinVar (database versions not stated): 1000 Genomes Project 0.00180; 1000 Genomes Project 30x 0.00187; gnomAD exomes 0.00200; ESP Exome Variant Server 0.00231; ExAC 0.00243; gnomAD 0.00263; TOPMed 0.00297.
gnomAD v4.1: 3,311 of 1,521,826 alleles (0.22%); highest among the groups gnomAD compares: Middle Eastern, 1.7%; 38 homozygotes.

Submission:

CeGaT Center for Human Genetics Tuebingen
Classification: Benign. Last evaluated: 2023-11-01. Review status: criteria provided, single submitter. Criteria: CeGaT Center For Human Genetics Tuebingen Variant Classification Criteria Version 2. Collection method: clinical testing. Allele origin: germline. Affected: yes. Observed: 1 variant allele.
Comment: ACTL7B: BS1, BS2

NM_006686.4(ACTL7B):c.1037C>G (p.Thr346Ser)

Gene: ACTL7B (actin like 7B; minus strand). Cytogenetic location: 9q31.3.
Variant type: single nucleotide variant.
Coding change: c.1037C>G on transcript NM_006686.4 (MANE Select); coding-DNA position 1037, C replaced by G.
Protein change: p.Thr346Ser; replaces threonine 346 with serine.
Molecular consequence: missense variant.
Genome position (GRCh38, 1-based): chr9:108,854,894, G>C on the plus strand (C>G on the coding strand, the complement: ACTL7B is on the minus strand). VCF-style: chr9-108854894-G-C. GRCh37 (hg19) VCF-style: chr9-111617174-G-C.
Other names: short protein forms T346S.
Identifiers: ClinVar variation 2673185 (VCV002673185.23), dbSNP rs114143830, ClinGen allele CA5173489.